The following is an entry in ClinVar:

ClinVar aggregate classification (germline): Likely pathogenic. Review status: criteria provided, single submitter (1 of 4 stars). 2 submissions from 2 submitters: Likely pathogenic (1). 1 of the submissions does not count toward it. Last evaluated 2023-02-10.

Conditions:
Autosomal dominant familial hematuria-retinal arteriolar tortuosity-contractures syndrome. Also called: Angiopathy, hereditary, with nephropathy, aneurysms, and muscle cramps; Hereditary Angiopathy with Nephropathy, Aneurysms, and Muscle Cramps (HANAC) Syndrome. Identifiers: Orphanet 73229, MedGen C2673195, MONDO:0012726, OMIM 611773.
EBV-positive nodal T- and NK-cell lymphoma.

Submissions (2):

Laboratorio de Genetica e Diagnostico Molecular, Hospital Israelita Albert Einstein
Classification: Likely pathogenic for Autosomal dominant familial hematuria-retinal arteriolar tortuosity-contractures syndrome. Last evaluated: 2023-02-10. Review status: criteria provided, single submitter. Criteria: ACMG Guidelines, 2015. Collection method: clinical testing. Allele origin: germline. Affected: yes. Observed: 1 variant allele.
Comment: ACMG classification criteria: PVS1 strong, PM2 moderated

Department of Clinical Pathology, School of Medicine, Fujita Health University
Classification: Likely benign for EBV-positive nodal T- and NK-cell lymphoma. Review status: no assertion criteria provided. Collection method: research. Allele origin: unknown. Affected: yes. Not counted in ClinVar's aggregate classification.

NM_001845.6(COL4A1):c.1728+2T>C

Gene: COL4A1 (collagen type IV alpha 1 chain; minus strand). Cytogenetic location: 13q34.
Variant type: single nucleotide variant.
Coding change: c.1728+2T>C on transcript NM_001845.6 (MANE Select); the canonical splice donor site of the intron after coding-DNA position 1728, T replaced by C.
Molecular consequence: splice donor variant.
Genome position (GRCh38, 1-based): chr13:110,187,136, A>G on the plus strand (T>C on the coding strand, the complement: COL4A1 is on the minus strand). VCF-style: chr13-110187136-A-G. GRCh37 (hg19) VCF-style: chr13-110839483-A-G.
Identifiers: ClinVar variation 2431618 (VCV002431618.2), dbSNP rs112314120, ClinGen allele CA388722843.